The following is an entry in ClinVar:

ClinVar aggregate classification (germline): Uncertain significance (1 of 4 stars; one submission).

Allele frequency attached by ClinVar (database versions not stated): gnomAD 0.00002; TOPMed 0.00002.
gnomAD v4.1: 34 of 1,613,954 alleles (0.0021%); highest among the groups gnomAD compares: Non-Finnish European, 0.0016%; no homozygotes.

Submission:

Labcorp Genetics (formerly Invitae), Labcorp
Classification: Uncertain significance. Last evaluated: 2022-04-13. Review status: criteria provided, single submitter. Criteria: Invitae Variant Classification Sherloc (09022015). Collection method: clinical testing. Allele origin: germline.
Comment: This sequence change replaces asparagine, which is neutral and polar, with lysine, which is basic and polar, at codon 494 of the RP1 protein (p.Asn494Lys). This variant is present in population databases (rs756192112, gnomAD 0.06%). This missense change has been observed in individual(s) with autosomal recessive retinitis pigmentosa (PMID: 28512305). In at least one individual the data is consistent with being in trans (on the opposite chromosome) from a pathogenic variant. ClinVar contains an entry for this variant (Variation ID: 1041139). Algorithms developed to predict the effect of missense changes on protein structure and function are either unavailable or do not agree on the potential impact of this missense change (SIFT: "Deleterious"; PolyPhen-2: "Benign"; Align-GVGD: "Class C0"). In summary, the available evidence is currently insufficient to determine the role of this variant in disease. Therefore, it has been classified as a Variant of Uncertain Significance.

Literature cited by the submitters: PubMed 28512305.

NM_006269.2(RP1):c.1482C>A (p.Asn494Lys)

Gene: RP1 (RP1 axonemal microtubule associated; plus strand). Cytogenetic location: 8q12.1.
Variant type: single nucleotide variant.
Coding change: c.1482C>A on transcript NM_006269.2 (MANE Select); coding-DNA position 1482, C replaced by A.
Protein change: p.Asn494Lys; replaces asparagine 494 with lysine.
Molecular consequence: missense variant. On other transcripts: intron variant (1).
Genome position (GRCh38, 1-based): chr8:54,625,364, C>A. VCF-style: chr8-54625364-C-A. GRCh37 (hg19) VCF-style: chr8-55537924-C-A.
Other names: c.787+3076C>A (NM_001375654.1); short protein forms N494K.
Identifiers: ClinVar variation 1041139 (VCV001041139.6), dbSNP rs756192112, ClinGen allele CA4751384.
Genomic context (GRCh38, chr8:54,625,364, plus strand): 5'-GGTTCAAGAGAAAATGATTGGACAGTTTTCATATAGTGAAGAAAGGGAAAGTGGGGAAAA[C>A]AAGTCTGAGTATCACATGTTTACACATTCTTGCAGTAAAATGTCATCAGTATCTAACAAA-3'
Protein context (NP_006260.1, residues 484-504): SYSEERESGE[Asn494Lys]KSEYHMFTHS